The following is an entry in ClinVar:

NM_006767.4(LZTR1):c.1563C>A (p.Phe521Leu)

Gene: LZTR1 (leucine zipper like post translational regulator 1; plus strand). Cytogenetic location: 22q11.21.
Variant type: single nucleotide variant.
Coding change: c.1563C>A on transcript NM_006767.4 (MANE Select); coding-DNA position 1563, C replaced by A.
Protein change: p.Phe521Leu; replaces phenylalanine 521 with leucine.
Molecular consequence: missense variant.
Genome position (GRCh38, 1-based): chr22:20,994,217, C>A. VCF-style: chr22-20994217-C-A. GRCh37 (hg19) VCF-style: chr22-21348506-C-A.
Other names: short protein forms F521L.
Identifiers: ClinVar variation 3238100 (VCV003238100.4), dbSNP rs145974096.

ClinVar aggregate classification (germline): Uncertain significance. Review status: criteria provided, multiple submitters, no conflicts (2 of 4 stars). 2 submissions from 2 submitters: Uncertain significance (2). Last evaluated 2025-12-05.

Conditions:
Cardiovascular phenotype. Identifiers: MedGen CN230736.
Hereditary cancer-predisposing syndrome. Also called: Neoplastic Syndromes, Hereditary; Tumor predisposition; Hereditary Cancer Syndrome; Hereditary neoplastic syndrome. Identifiers: Orphanet 140162, MedGen C0027672, MeSH D009386, MONDO:0015356.

gnomAD v4.1: 1 of 1,601,384 alleles (0.000062%); highest among the groups gnomAD compares: Admixed American, 0.0017%; no homozygotes.

Submissions (2):

Ambry Genetics
Classification: Uncertain significance for Cardiovascular phenotype; Hereditary cancer-predisposing syndrome. Last evaluated: 2025-12-05. Review status: criteria provided, single submitter. Criteria: Ambry Variant Classification Scheme 2023. Collection method: clinical testing. Allele origin: germline.
Comment: The p.F521L variant (also known as c.1563C>A), located in coding exon 14 of the LZTR1 gene, results from a C to A substitution at nucleotide position 1563. The phenylalanine at codon 521 is replaced by leucine, an amino acid with highly similar properties. This variant was detected as heterozygous in individual(s) with no reported features of LZTR1-related Noonan syndrome (Ambry internal data). This amino acid position is conserved. In addition, the in silico prediction for this alteration is inconclusive. Based on the available evidence, the clinical significance of this variant remains unclear.

GeneDx
Classification: Uncertain significance. Last evaluated: 2025-07-03. Review status: criteria provided, single submitter. Criteria: GeneDx Variant Classification Process June 2021. Collection method: clinical testing. Allele origin: germline.
Comment: Not observed at significant frequency in large population cohorts (gnomAD); Has not been previously published as pathogenic or benign to our knowledge; In silico analysis supports that this missense variant has a deleterious effect on protein structure/function